The following is an entry in ClinVar:

NM_018127.7(ELAC2):c.432+105C>T

Gene: ELAC2 (elaC ribonuclease Z 2; minus strand). Cytogenetic location: 17p12.
Variant type: single nucleotide variant.
Coding change: c.432+105C>T on transcript NM_018127.7 (MANE Select); 105 bases into the intron after coding-DNA position 432, C replaced by T.
Molecular consequence: intron variant.
Genome position (GRCh38, 1-based): chr17:13,015,663, G>A on the plus strand (C>T on the coding strand, the complement: ELAC2 is on the minus strand). VCF-style: chr17-13015663-G-A. GRCh37 (hg19) VCF-style: chr17-12918980-G-A.
Other names: c.432+105C>T (NM_001165962.2, NM_173717.2).
Identifiers: ClinVar variation 676307 (VCV000676307.2), dbSNP rs10521207, ClinGen allele CA14471193.

ClinVar aggregate classification (germline): Benign. Review status: criteria provided, multiple submitters, no conflicts (2 of 4 stars). 2 submissions from 2 submitters: Benign (2). Last evaluated 2018-06-16.

Allele frequency attached by ClinVar (database versions not stated): 1000 Genomes Project 0.04213; 1000 Genomes Project 30x 0.04279; TOPMed 0.04504; gnomAD 0.04686 and 0.04805.
gnomAD v4.1: 37,501 of 910,878 alleles (4.1%); highest among the groups gnomAD compares: African/African-American, 6.6%; 912 homozygotes.

Submissions (2):

GeneDx
Classification: Benign. Last evaluated: 2018-06-16. Review status: criteria provided, single submitter. Criteria: GeneDx Variant Classification (06012015). Collection method: clinical testing. Allele origin: germline. Affected: yes.
Comment: This variant is considered likely benign or benign based on one or more of the following criteria: it is a conservative change, it occurs at a poorly conserved position in the protein, it is predicted to be benign by multiple in silico algorithms, and/or has population frequency not consistent with disease.

Breakthrough Genomics
Classification: Benign. Review status: criteria provided, single submitter. Criteria: ACMG Guidelines, 2015. Collection method: not provided. Allele origin: germline. Inheritance: Autosomal recessive inheritance. Affected: yes.